The following is an entry in ClinVar:

NM_001077365.2(POMT1):c.1422G>C (p.Glu474Asp)

Gene: POMT1 (protein O-mannosyltransferase 1; plus strand). Cytogenetic location: 9q34.13.
Variant type: single nucleotide variant.
Coding change: c.1422G>C on transcript NM_001077365.2 (MANE Select); coding-DNA position 1422, G replaced by C.
Protein change: p.Glu474Asp; replaces glutamic acid 474 with aspartic acid.
Molecular consequence: missense variant. On other transcripts: non-coding transcript variant (10), intron variant (1).
Genome position (GRCh38, 1-based): chr9:131,518,893, G>C. VCF-style: chr9-131518893-G-C. GRCh37 (hg19) VCF-style: chr9-134394280-G-C.
Other names: c.1071G>C, p.Glu357Asp (NM_001374693.1, NM_001136114.2, NM_001353195.2 and 2 more transcripts); c.1032G>C, p.Glu344Asp (NM_001374695.1); c.291G>C, p.Glu97Asp (NM_001411024.1); c.1488G>C, p.Glu496Asp (NM_007171.4, NM_001353193.2); c.1365+356G>C (NM_001374690.1); c.1260G>C, p.Glu420Asp (NM_001077366.2, NM_001353194.2); c.1422G>C, p.Glu474Asp (NM_001136113.2); c.1332G>C, p.Glu444Asp (NM_001353196.2); and 4 more; short protein forms E322D, E344D, E357D, E379D, E420D, E442D, E444D, E470D.
Identifiers: ClinVar variation 4531041 (VCV004531041.1).

ClinVar aggregate classification (germline): Uncertain significance (1 of 4 stars; one submission).

Submission:

GeneDx
Classification: Uncertain significance. Last evaluated: 2025-05-21. Review status: criteria provided, single submitter. Criteria: GeneDx Variant Classification Process June 2021. Collection method: clinical testing. Allele origin: germline. Affected: yes.
Comment: Not observed at significant frequency in large population cohorts (gnomAD); In silico analysis suggests that this missense variant does not alter protein structure/function; Has not been previously published as pathogenic or benign to our knowledge